The following is an entry in ClinVar:

ClinVar aggregate classification (germline): Uncertain significance. Review status: criteria provided, single submitter (1 of 4 stars). 2 submissions from 2 submitters: Uncertain significance (1). 1 of the submissions does not count toward it. Last evaluated 2022-08-12.

Conditions:
Mucopolysaccharidosis type 1. Also called: IDUA deficiency; MPS I. Identifiers: Orphanet 579, MedGen C0023786, MONDO:0001586.
IDUA-related disorder. Also called: IDUA-related condition.

Allele frequency attached by ClinVar (database versions not stated): gnomAD 0.00005; TOPMed 0.00006; ESP Exome Variant Server 0.00023.
gnomAD v4.1: 42 of 1,612,554 alleles (0.0026%); highest among the groups gnomAD compares: Middle Eastern, 0.033%; no homozygotes.

Submissions (2):

Labcorp Genetics (formerly Invitae), Labcorp
Classification: Uncertain significance for Mucopolysaccharidosis type 1. Last evaluated: 2022-08-12. Review status: criteria provided, single submitter. Criteria: Invitae Variant Classification Sherloc (09022015). Collection method: clinical testing. Allele origin: germline.
Comment: This sequence change falls in intron 13 of the IDUA gene. It does not directly change the encoded amino acid sequence of the IDUA protein. It affects a nucleotide within the consensus splice site. This variant is present in population databases (rs370221627, gnomAD 0.03%). This variant has not been reported in the literature in individuals affected with IDUA-related conditions. Variants that disrupt the consensus splice site are a relatively common cause of aberrant splicing (PMID: 17576681, 9536098). Algorithms developed to predict the effect of sequence changes on RNA splicing suggest that this variant may create or strengthen a splice site. In summary, the available evidence is currently insufficient to determine the role of this variant in disease. Therefore, it has been classified as a Variant of Uncertain Significance.

PreventionGenetics, part of Exact Sciences
Classification: Likely benign for IDUA-related condition. Last evaluated: 2019-03-05. Review status: no assertion criteria provided. Collection method: clinical testing. Allele origin: germline. Not counted in ClinVar's aggregate classification.
Comment: This variant is classified as likely benign based on ACMG/AMP sequence variant interpretation guidelines (Richards et al. 2015 PMID: 25741868, with internal and published modifications).

Literature cited by the submitters: PubMed 17576681 (cited by Labcorp Genetics (formerly Invitae), Labcorp); PubMed 9536098 (cited by Labcorp Genetics (formerly Invitae), Labcorp).

NM_000203.5(IDUA):c.1828+4C>T

Gene: IDUA (alpha-L-iduronidase; plus strand). Cytogenetic location: 4p16.3.
Variant type: single nucleotide variant.
Coding change: c.1828+4C>T on transcript NM_000203.5 (MANE Select); 4 bases into the intron after coding-DNA position 1828, C replaced by T.
Molecular consequence: intron variant.
Genome position (GRCh38, 1-based): chr4:1,004,116, C>T. VCF-style: chr4-1004116-C-T. GRCh37 (hg19) VCF-style: chr4-997904-C-T.
Other names: c.1432+4C>T (NM_001363576.1); c.1828+4C>T (NM_000203.4).
Identifiers: ClinVar variation 2165528 (VCV002165528.3), dbSNP rs370221627, ClinGen allele CA2802420.